The following is an entry in ClinVar:

ClinVar aggregate classification (germline): Uncertain significance (1 of 4 stars; one submission).

Conditions:
Warburg micro syndrome 2 (WARBM2). Also called: MICRO SYNDROME 2. Identifiers: Orphanet 2510, MedGen C3280214, MONDO:0013641, OMIM 614225.
Martsolf syndrome (MARTS). Also called: Congenital cataract with intellectual disability and hypogonadotropic hypogonadism syndrome. Identifiers: Orphanet 1387, MedGen C0796037, MONDO:0023910.

Allele frequency attached by ClinVar (database versions not stated): TOPMed below 0.00001; gnomAD 0.00001; gnomAD exomes 0.00001.
gnomAD v4.1: 17 of 1,613,338 alleles (0.0011%); highest among the groups gnomAD compares: Non-Finnish European, 0.0014%; no homozygotes.

Submission:

Labcorp Genetics (formerly Invitae), Labcorp
Classification: Uncertain significance for Martsolf syndrome; Warburg micro syndrome 2. Last evaluated: 2022-07-22. Review status: criteria provided, single submitter. Criteria: Invitae Variant Classification Sherloc (09022015). Collection method: clinical testing. Allele origin: germline.
Comment: This sequence change replaces leucine, which is neutral and non-polar, with valine, which is neutral and non-polar, at codon 563 of the RAB3GAP2 protein (p.Leu563Val). This variant is not present in population databases (gnomAD no frequency). This variant has not been reported in the literature in individuals affected with RAB3GAP2-related conditions. Algorithms developed to predict the effect of missense changes on protein structure and function are either unavailable or do not agree on the potential impact of this missense change (SIFT: "Tolerated"; PolyPhen-2: "Possibly Damaging"; Align-GVGD: "Class C0"). In summary, the available evidence is currently insufficient to determine the role of this variant in disease. Therefore, it has been classified as a Variant of Uncertain Significance.

NM_012414.4(RAB3GAP2):c.1687T>G (p.Leu563Val)

Gene: RAB3GAP2 (RAB3 GTPase activating non-catalytic protein subunit 2; minus strand). Cytogenetic location: 1q41.
Variant type: single nucleotide variant.
Coding change: c.1687T>G on transcript NM_012414.4 (MANE Select); coding-DNA position 1687, T replaced by G.
Protein change: p.Leu563Val; replaces leucine 563 with valine.
Molecular consequence: missense variant.
Genome position (GRCh38, 1-based): chr1:220,190,091, A>C on the plus strand (T>G on the coding strand, the complement: RAB3GAP2 is on the minus strand). VCF-style: chr1-220190091-A-C. GRCh37 (hg19) VCF-style: chr1-220363433-A-C.
Other names: short protein forms L563V.
Identifiers: ClinVar variation 1921572 (VCV001921572.5), dbSNP rs893558076, ClinGen allele CA37562864.